The following is an entry in ClinVar:

U14680.1(BRCA1):n.5274delG

Gene: BRCA1 (BRCA1 DNA repair associated; minus strand). Cytogenetic location: 17q21.31.
Variant type: Deletion.
Genome position: GRCh38 VCF-style: chr17-43063370-AC-A. GRCh37 (hg19) VCF-style: chr17-41215387-AC-A.
Other names: 5274delG.
Identifiers: ClinVar variation 55436 (VCV000055436.11), dbSNP rs80357743, ClinGen allele CA003308.
Genomic context (GRCh38, chr17:43,063,370, plus strand): 5'-AGTTTGTAACATCAAGTACTTACCTCATTCAGCATTTTTCTTTCTTTAATAGACTGGGTC[AC>A]CCCTAAAGAGATCATAGAAAAGACAGGTTACATACAGCAGAAGAACGTGCTCTTTTCACG-3'

ClinVar aggregate classification (germline): Pathogenic. Review status: reviewed by expert panel (3 of 4 stars). 4 submissions from 4 submitters: Pathogenic (1). 3 of the submissions do not count toward it. Last evaluated 2016-09-08.

Conditions:
Hereditary breast ovarian cancer syndrome. Also called: BRCA1- and BRCA2-Associated Hereditary Breast and Ovarian Cancer; Hereditary breast and ovarian cancer syndrome (HBOC); Breast and ovarian cancer; Hereditary breast and ovarian cancer; Hereditary breast and/or ovarian cancer syndrome; Hereditary breast and ovarian cancer syndrome. Identifiers: Orphanet 145, MedGen C0677776, MeSH D061325, MONDO:0003582. Disease mechanism: loss of function.
Breast-ovarian cancer, familial, susceptibility to, 1 (BROVCA1). Also called: BRCA1 Hereditary Breast and Ovarian Cancer; OVARIAN CANCER, SUSCEPTIBILITY TO. Identifiers: Orphanet 145, MedGen C2676676, MONDO:0011450, OMIM 604370. Disease mechanism: loss of function.

Submissions (4):

Evidence-based Network for the Interpretation of Germline Mutant Alleles (ENIGMA)
Classification: Pathogenic for Breast-ovarian cancer, familial, susceptibility to, 1. Last evaluated: 2016-09-08. Review status: reviewed by expert panel. Criteria: ENIGMA BRCA1/2 Classification Criteria (2015). Collection method: curation. Allele origin: germline.
Comment: Variant allele predicted to encode a truncated non-functional protein.

Labcorp Genetics (formerly Invitae), Labcorp
Classification: Pathogenic for Hereditary breast ovarian cancer syndrome. Last evaluated: 2020-09-25. Review status: criteria provided, single submitter. Criteria: Invitae Variant Classification Sherloc (09022015). Collection method: clinical testing. Allele origin: germline. Not counted in ClinVar's aggregate classification.
Comment: This sequence change creates a premature translational stop signal (p.Val1719*) in the BRCA1 gene. It is expected to result in an absent or disrupted protein product. For these reasons, this variant has been classified as Pathogenic. Loss-of-function variants in BRCA1 are known to be pathogenic (PMID: 20104584). Algorithms developed to predict the effect of sequence changes on RNA splicing suggest that this variant may create or strengthen a splice site, but this prediction has not been confirmed by published transcriptional studies. This variant has not been reported in the literature in individuals with BRCA1-related conditions. ClinVar contains an entry for this variant (Variation ID: 55436). This variant is not present in population databases (ExAC no frequency).

Consortium of Investigators of Modifiers of BRCA1/2 (CIMBA), c/o University of Cambridge
Classification: Pathogenic for Breast-ovarian cancer, familial, susceptibility to, 1. Last evaluated: 2015-10-02. Review status: criteria provided, single submitter. Criteria: CIMBA Mutation Classification guidelines May 2016. Collection method: clinical testing. Allele origin: germline. Not counted in ClinVar's aggregate classification.

Breast Cancer Information Core (BIC) (BRCA1)
Classification: Pathogenic for Breast-ovarian cancer, familial 1. Last evaluated: 2004-11-25. Review status: no assertion criteria provided. Collection method: clinical testing. Allele origin: germline. Affected: yes. Observed: 1 variant allele. Not counted in ClinVar's aggregate classification.

Literature cited by the submitters: PubMed 20104584 (cited by Labcorp Genetics (formerly Invitae), Labcorp).